The following is an entry in ClinVar:

NM_014712.3(SETD1A):c.881CCT[1] (p.Ser295del)

Gene: SETD1A (SET domain containing 1A, histone lysine methyltransferase; plus strand). Cytogenetic location: 16p11.2.
Variant type: Microsatellite.
Coding change: c.881CCT[1] on transcript NM_014712.3 (MANE Select); one copy of the 3-base unit CCT starting at c.881; the reference has two copies in a row; one copy, 3 bases deleted.
Protein change: p.Ser295del; deletes serine 295.
Molecular consequence: inframe deletion.
Genome position (GRCh38, 1-based): chr16:30,964,626-30,964,628, CCT deleted; deleting any 3 consecutive bases within chr16:30,964,623-30,964,628 gives the same sequence; the position shown is the placement nearest the transcript's 3' end. VCF-style (leftmost placement, unchanged base first): chr16-30964622-ACCT-A. GRCh37 (hg19) VCF-style: chr16-30975943-ACCT-A.
Other names: short protein forms S295del.
Identifiers: ClinVar variation 4534351 (VCV004534351.6).
Genomic context (GRCh38, chr16:30,964,622, plus strand): 5'-GTTTGGTCATAGAGAGCTGAGTCCAGCTAACTCCCCTGCTTCTTCTCCAGCACCACTTCA[ACCT>A]CCTTCAAGCCCCGGCGGTCAGAGAACAGCTACCAAGATGCCTTTTCCCGCCGCCACTTCT-3'

ClinVar aggregate classification (germline): Likely benign (1 of 4 stars; one submission).

Submission:

CeGaT Center for Human Genetics Tuebingen
Classification: Likely benign. Last evaluated: 2025-10-01. Review status: criteria provided, single submitter. Criteria: CeGaT Center For Human Genetics Tuebingen Variant Classification Criteria Version 2. Collection method: clinical testing. Allele origin: germline. Affected: yes. Observed: 1 variant allele.
Comment: SETD1A: BS2